The following is an entry in ClinVar:

ClinVar aggregate classification (germline): Pathogenic (1 of 4 stars; one submission).

Conditions:
Cystic fibrosis (CF). Also called: MUCOVISCIDOSIS. Identifiers: Orphanet 586, MedGen C0010674, MONDO:0009061, OMIM 219700. Disease mechanism: loss of function.

Submission:

Women's Health and Genetics/Laboratory Corporation of America, LabCorp
Classification: Pathogenic for Cystic fibrosis. Last evaluated: 2025-12-30. Review status: criteria provided, single submitter. Criteria: LabCorp Variant Classification Summary - May 2015. Collection method: clinical testing. Allele origin: germline.
Comment: Variant summary: CFTR c.940G>A (p.Gly314Arg) results in a non-conservative amino acid change in the encoded protein sequence. Algorithms developed to predict the effect of missense changes on protein structure and function all suggest that this variant is likely to be disruptive. The variant was absent in 251236 control chromosomes. c.940G>A has been observed in multiple individuals affected with Cystic Fibrosis (example, Giannattasio_2006, Sobczynska-Tomaszewska_2013, Zietkiewicz_2013, Petrova_2020). These data indicate that the variant is very likely to be associated with disease. A different variant resulting in the same amino acid consequence has been classified as pathogenic (c.940G>C, p.Gly314Arg), supporting the pathogenicity of this variant. To our knowledge, no experimental evidence demonstrating an impact on protein function has been reported. The following publications have been ascertained in the context of this evaluation (PMID: 17020467, 32429104, 22892530, 24586523). No submitters have cited clinical-significance assessments for this variant to ClinVar. Based on the evidence outlined above, the variant was classified as pathogenic.

Literature cited by the submitters: PubMed 17020467; PubMed 22892530; PubMed 24586523; PubMed 32429104.

NM_000492.4(CFTR):c.940G>A (p.Gly314Arg)

Gene: CFTR (CF transmembrane conductance regulator; plus strand). Cytogenetic location: 7q31.2.
Variant type: single nucleotide variant.
Coding change: c.940G>A on transcript NM_000492.4 (MANE Select); coding-DNA position 940, G replaced by A.
Protein change: p.Gly314Arg; replaces glycine 314 with arginine.
Molecular consequence: missense variant.
Genome position (GRCh38, 1-based): chr7:117,540,170, G>A. VCF-style: chr7-117540170-G-A. GRCh37 (hg19) VCF-style: chr7-117180224-G-A.
Other names: short protein forms G314R.
Identifiers: ClinVar variation 4688698 (VCV004688698.1).